The following is an entry in ClinVar:

ClinVar aggregate classification (germline): Conflicting classifications of pathogenicity. Review status: criteria provided, conflicting classifications (1 of 4 stars). 3 submissions from 3 submitters: Likely pathogenic (1); Uncertain significance (1). 1 of the submissions does not count toward it. Last evaluated 2022-02-28.

Conditions:
C1QC-related disorders.
C1Q deficiency 3. Identifiers: MedGen C5830423, MONDO:0958188, OMIM 620322.

Submissions (3):

Labcorp Genetics (formerly Invitae), Labcorp
Classification: Uncertain significance. Last evaluated: 2022-02-28. Review status: criteria provided, single submitter. Criteria: Invitae Variant Classification Sherloc (09022015). Collection method: clinical testing. Allele origin: germline.
Comment: This sequence change creates a premature translational stop signal (p.Gln74Argfs*64) in the C1QC gene. While this is not anticipated to result in nonsense mediated decay, it is expected to disrupt the last 172 amino acid(s) of the C1QC protein. This variant is present in population databases (rs761681612, gnomAD 0.002%). This premature translational stop signal has been observed in individual(s) with systemic lupus erythematosus (PMID: 8630118). This variant is also known as deletion C at codon 43. ClinVar contains an entry for this variant (Variation ID: 17069). In summary, the available evidence is currently insufficient to determine the role of this variant in disease. Therefore, it has been classified as a Variant of Uncertain Significance.

Blueprint Genetics
Classification: Likely pathogenic for C1QC-related disorders. Last evaluated: 2018-11-08. Review status: criteria provided, single submitter. Criteria: ACMG Guidelines, 2015. Collection method: clinical testing. Allele origin: germline. Affected: yes. Observed: 4 variant alleles.

OMIM
Classification: Pathogenic for C1Q DEFICIENCY 3. Last evaluated: 1996-04-01. Review status: no assertion criteria provided. Collection method: literature only. Allele origin: germline. Not counted in ClinVar's aggregate classification.

Literature cited by the submitters: PubMed 8630118 (cited by Labcorp Genetics (formerly Invitae), Labcorp and OMIM).

NM_172369.5(C1QC):c.213del (p.Gln74fs)

Gene: C1QC (complement C1q C chain; plus strand). Cytogenetic location: 1p36.12.
Variant type: Deletion.
Coding change: c.213del on transcript NM_172369.5 (MANE Select); coding-DNA position 213, one base deleted (C; older notation c.213delC).
Protein change: p.Gln74fs; shifts the reading frame from glutamine 74.
Molecular consequence: frameshift variant. On other transcripts: 5 prime UTR variant (1).
Genome position (GRCh38, 1-based): chr1:22,647,258, C deleted; the last of 3 consecutive C bases (chr1:22,647,256-22,647,258); deleting any one gives the same sequence. VCF-style (leftmost placement, unchanged base first): chr1-22647255-AC-A. GRCh37 (hg19) VCF-style: chr1-22973748-AC-A.
Other names: C1QC, 1-BP DEL, C, CODON 43; c.213del, p.Gln74fs (NM_001114101.3, NM_001347619.2); c.-55del (NM_001347620.2); short protein forms Q74fs.
Identifiers: ClinVar variation 17069 (VCV000017069.4), dbSNP rs761681612, ClinGen allele CA677928.